The following is an entry in ClinVar:

NM_001367624.2(ZNF469):c.8092C>G (p.Leu2698Val)

Gene: ZNF469 (zinc finger protein 469; plus strand). Cytogenetic location: 16q24.2.
Variant type: single nucleotide variant.
Coding change: c.8092C>G on transcript NM_001367624.2 (MANE Select); coding-DNA position 8092, C replaced by G.
Protein change: p.Leu2698Val; replaces leucine 2698 with valine.
Molecular consequence: missense variant.
Genome position (GRCh38, 1-based): chr16:88,435,562, C>G. VCF-style: chr16-88435562-C-G. GRCh37 (hg19) VCF-style: chr16-88501970-C-G.
Other names: NM_001127464.1:c.8008C>G; short protein forms L2698V.
Identifiers: ClinVar variation 3987298 (VCV003987298.1).
Genomic context (GRCh38, chr16:88,435,562, plus strand): 5'-TGCCTCTCTGTGGAAGGAGGGCCTGAGGCTGACGGGGAGCAGCCGCCTCGCTTGGCCACT[C>G]TGGGACCTGGGGTGATGGAGGGTGCAGCGGAGACTGACCAGGAGGCTCTGTGTGCAGGGG-3'
Protein context (NP_001354553.1, residues 2688-2708): DGEQPPRLAT[Leu2698Val]GPGVMEGAAE

ClinVar aggregate classification (germline): Uncertain significance (1 of 4 stars; one submission).

Conditions:
Cardiovascular phenotype. Identifiers: MedGen CN230736.

Submission:

Ambry Genetics
Classification: Uncertain significance for Cardiovascular phenotype. Last evaluated: 2025-03-25. Review status: criteria provided, single submitter. Criteria: Ambry Variant Classification Scheme 2023. Collection method: clinical testing. Allele origin: germline.
Comment: The p.L2670V variant (also known as c.8008C>G), located in coding exon 2 of the ZNF469 gene, results from a C to G substitution at nucleotide position 8008. The leucine at codon 2670 is replaced by valine, an amino acid with highly similar properties. This amino acid position is conserved. In addition, this alteration is predicted to be tolerated by in silico analysis. Based on the available evidence, the clinical significance of this variant remains unclear.